The following is an entry in ClinVar:

NM_032121.5(MAGT1):c.56G>T (p.Ser19Ile)

Gene: MAGT1 (magnesium transporter 1; minus strand). Cytogenetic location: Xq21.1.
Variant type: single nucleotide variant.
Coding change: c.56G>T on transcript NM_032121.5; coding-DNA position 56, G replaced by T.
Protein change: p.Ser19Ile; replaces serine 19 with isoleucine.
Molecular consequence: missense variant.
Genome position (GRCh38, 1-based): chrX:77,895,451, C>A on the plus strand (G>T on the coding strand, the complement: MAGT1 is on the minus strand). VCF-style: chrX-77895451-C-A. GRCh37 (hg19) VCF-style: chrX-77150948-C-A.
Other names: short protein forms S19I.
Identifiers: ClinVar variation 1043939 (VCV001043939.7), dbSNP rs2077096393, ClinGen allele CA413714517.

ClinVar aggregate classification (germline): Uncertain significance (1 of 4 stars; one submission).

Conditions:
X-linked immunodeficiency with magnesium defect, Epstein-Barr virus infection and neoplasia. Identifiers: Orphanet 317476, MedGen C3275445, MONDO:0010455, OMIM 300853.

gnomAD v4.1: 1 of 1,200,719 alleles (0.000083%); highest among the groups gnomAD compares: African/African-American, 0.0017%; no homozygotes.

Submission:

Labcorp Genetics (formerly Invitae), Labcorp
Classification: Uncertain significance for X-linked immunodeficiency with magnesium defect, Epstein-Barr virus infection and neoplasia. Last evaluated: 2021-08-25. Review status: criteria provided, single submitter. Criteria: Invitae Variant Classification Sherloc (09022015). Collection method: clinical testing. Allele origin: germline.
Comment: This sequence change replaces serine with isoleucine at codon 19 of the MAGT1 protein (p.Ser19Ile). The serine residue is weakly conserved and there is a large physicochemical difference between serine and isoleucine. This variant is not present in population databases (ExAC no frequency). This variant has not been reported in the literature in individuals affected with MAGT1-related conditions. Algorithms developed to predict the effect of missense changes on protein structure and function (SIFT, PolyPhen-2, Align-GVGD) all suggest that this variant is likely to be tolerated. In summary, the available evidence is currently insufficient to determine the role of this variant in disease. Therefore, it has been classified as a Variant of Uncertain Significance.